The following is an entry in ClinVar:

NM_025179.4(PLXNA2):c.-2G>A

Gene: PLXNA2 (plexin A2; minus strand). Cytogenetic location: 1q32.2.
Variant type: single nucleotide variant.
Coding change: c.-2G>A on transcript NM_025179.4 (MANE Select); 2 bases upstream of the start codon, G replaced by A.
Molecular consequence: 5 prime UTR variant.
Genome position (GRCh38, 1-based): chr1:208,217,924, C>T on the plus strand (G>A on the coding strand, the complement: PLXNA2 is on the minus strand). VCF-style: chr1-208217924-C-T. GRCh37 (hg19) VCF-style: chr1-208391269-C-T.
Identifiers: ClinVar variation 3031843 (VCV003031843.2), dbSNP rs4844415, ClinGen allele CA1374157.

ClinVar aggregate classification (germline): Likely benign (0 of 4 stars; one submission).

Conditions:
PLXNA2-related disorder. Also called: PLXNA2-related condition.

Allele frequency attached by ClinVar (database versions not stated): gnomAD 0.00001; gnomAD exomes 0.00001; ExAC 0.00002; 1000 Genomes Project 0.00040; 1000 Genomes Project 30x 0.00047.
gnomAD v4.1: 5 of 1,607,884 alleles (0.00031%); highest among the groups gnomAD compares: East Asian, 0.0089%; no homozygotes.

Submission:

PreventionGenetics, part of Exact Sciences
Classification: Likely benign for PLXNA2-related condition. Last evaluated: 2023-12-06. Review status: no assertion criteria provided. Collection method: clinical testing. Allele origin: germline.
Comment: This variant is classified as likely benign based on ACMG/AMP sequence variant interpretation guidelines (Richards et al. 2015 PMID: 25741868, with internal and published modifications).